The following is an entry in ClinVar:

ClinVar aggregate classification (germline): Uncertain significance (1 of 4 stars; one submission).

Submission:

Labcorp Genetics (formerly Invitae), Labcorp
Classification: Uncertain significance. Last evaluated: 2023-08-27. Review status: criteria provided, single submitter. Criteria: Invitae Variant Classification Sherloc (09022015). Collection method: clinical testing. Allele origin: germline.
Comment: This variant is not present in population databases (gnomAD no frequency). This variant has not been reported in the literature in individuals affected with CTNNA1-related conditions. This variant, c.81_82insGTCCTCTGG, results in the insertion of 3 amino acid(s) of the CTNNA1 protein (p.Arg27_Leu28insValLeuTrp), but otherwise preserves the integrity of the reading frame. Experimental studies and prediction algorithms are not available or were not evaluated, and the functional significance of this variant is currently unknown. In summary, the available evidence is currently insufficient to determine the role of this variant in disease. Therefore, it has been classified as a Variant of Uncertain Significance.

NM_001903.5(CTNNA1):c.81_82insGTCCTCTGG (p.Arg27_Leu28insValLeuTrp)

Gene: CTNNA1 (catenin alpha 1; plus strand). Cytogenetic location: 5q31.2.
Variant type: Insertion.
Coding change: c.81_82insGTCCTCTGG on transcript NM_001903.5 (MANE Select); coding-DNA positions 81 to 82, GTCCTCTGG inserted.
Protein change: p.Arg27_Leu28insValLeuTrp.
Molecular consequence: inframe insertion. On other transcripts: 5 prime UTR variant (2).
Genome position: GRCh38 VCF-style: chr5-138782005-A-AGTCCTCTGG. GRCh37 (hg19) VCF-style: chr5-138117694-A-AGTCCTCTGG.
Other names: c.81_82insGTCCTCTGG, p.Arg27_Leu28insValLeuTrp (NM_001290307.3, NM_001323982.2, NM_001323983.1 and 3 more transcripts); c.-33_-32insGTCCTCTGG (NM_001290309.3); c.-126_-125insGTCCTCTGG (NM_001290310.3).
Identifiers: ClinVar variation 2755711 (VCV002755711.3), dbSNP rs2532170868, ClinGen allele CA2697546532.